The following is an entry in ClinVar:

NM_007294.4(BRCA1):c.2350_2351del (p.Ser784fs)

Gene: BRCA1 (BRCA1 DNA repair associated; minus strand). Cytogenetic location: 17q21.31.
Variant type: Microsatellite.
Coding change: c.2350_2351del on transcript NM_007294.4 (MANE Select); coding-DNA positions 2350 to 2351, 2 bases deleted (TC; older notation c.2350_2351delTC).
Protein change: p.Ser784fs; shifts the reading frame from serine 784.
Molecular consequence: frameshift variant. On other transcripts: intron variant (137).
Genome position (GRCh38, 1-based): chr17:43,093,180-43,093,181, GA deleted on the plus strand (TC on the coding strand, the reverse complement: BRCA1 is on the minus strand); deleting any 2 consecutive bases within chr17:43,093,180-43,093,183 gives the same sequence; the c. name uses the placement nearest the transcript's 3' end. VCF-style (leftmost placement, unchanged base first): chr17-43093179-CGA-C. GRCh37 (hg19) VCF-style: chr17-41245196-CGA-C.
Other names: 2469delTC-ter788; c.2350_2351delTC (NM_007294.3); c.2137_2138del, p.Ser713fs (NM_001407571.1, NM_001407853.1, NM_001407894.1 and 9 more transcripts); c.2350_2351del, p.Ser784fs (NM_001407581.1, NM_001407582.1, NM_001407583.1 and 30 more transcripts); c.2347_2348del, p.Ser783fs (NM_001407587.1, NM_001407590.1, NM_001407591.1 and 22 more transcripts); c.2341_2342del, p.Ser781fs (NM_001407646.1, NM_001407647.1); c.2227_2228del, p.Ser743fs (NM_001407648.1, NM_001407664.1, NM_001407665.1 and 19 more transcripts); c.2224_2225del, p.Ser742fs (NM_001407649.1, NM_001407670.1, NM_001407671.1 and 11 more transcripts); and 43 more; short protein forms S784fs, S737fs, S695fs, S713fs, S714fs, S758fs, S616fs, S656fs.
Identifiers: ClinVar variation 54543 (VCV000054543.12), dbSNP rs397508960, ClinGen allele CA001566.

ClinVar aggregate classification (germline): Pathogenic. Review status: reviewed by expert panel (3 of 4 stars). 4 submissions from 4 submitters: Pathogenic (1). 3 of the submissions do not count toward it. Last evaluated 2016-10-18.

Conditions:
Hereditary breast ovarian cancer syndrome. Also called: Hereditary breast and ovarian cancer syndrome (HBOC); Hereditary breast and ovarian cancer syndrome; Hereditary breast and ovarian cancer; Hereditary breast and/or ovarian cancer syndrome; Breast and ovarian cancer; BRCA1- and BRCA2-Associated Hereditary Breast and Ovarian Cancer. Identifiers: Orphanet 145, MedGen C0677776, MeSH D061325, MONDO:0003582. Disease mechanism: loss of function.
Breast-ovarian cancer, familial, susceptibility to, 1 (BROVCA1). Also called: OVARIAN CANCER, SUSCEPTIBILITY TO; BRCA1 Hereditary Breast and Ovarian Cancer. Identifiers: Orphanet 145, MedGen C2676676, MONDO:0011450, OMIM 604370. Disease mechanism: loss of function.

Submissions (4):

Evidence-based Network for the Interpretation of Germline Mutant Alleles (ENIGMA)
Classification: Pathogenic for Breast-ovarian cancer, familial, susceptibility to, 1. Last evaluated: 2016-10-18. Review status: reviewed by expert panel. Criteria: ENIGMA BRCA1/2 Classification Criteria (2015). Collection method: curation. Allele origin: germline.
Comment: Variant allele predicted to encode a truncated non-functional protein.

Labcorp Genetics (formerly Invitae), Labcorp
Classification: Pathogenic for Hereditary breast ovarian cancer syndrome. Last evaluated: 2025-12-24. Review status: criteria provided, single submitter. Criteria: Invitae Variant Classification Sherloc (09022015). Collection method: clinical testing. Allele origin: germline. Not counted in ClinVar's aggregate classification.
Comment: This sequence change creates a premature translational stop signal (p.Ser784Valfs*5) in the BRCA1 gene. It is expected to result in an absent or disrupted protein product. Loss-of-function variants in BRCA1 are known to be pathogenic (PMID: 20104584). This variant is not present in population databases (gnomAD no frequency). This premature translational stop signal has been observed in individual(s) with a personal and/or family history of breast and ovarian cancer and/or those undergoing genetic testing for hereditary cancer susceptibility (PMID: 11920643, 31209999). This variant is also known as 2467delTC. For these reasons, this variant has been classified as Pathogenic.

Quest Diagnostics Nichols Institute San Juan Capistrano
Classification: Pathogenic. Last evaluated: 2025-04-30. Review status: criteria provided, single submitter. Criteria: Quest Diagnostics criteria. Collection method: clinical testing. Allele origin: unknown. Not counted in ClinVar's aggregate classification.
Comment: The BRCA1 c.2350_2351del (p.Ser784Valfs*5) variant alters the translational reading frame of the BRCA1 mRNA and causes the premature termination of BRCA1 protein synthesis. This variant has been reported in the published literature in individuals affected with breast and/or ovarian cancer (PMID: 11920643 (2002), 35411189 (2022), 38069422 (2023)). This variant has not been reported in large, multi-ethnic general populations (Genome Aggregation Database). Based on the available information, this variant is classified as pathogenic.

Consortium of Investigators of Modifiers of BRCA1/2 (CIMBA), c/o University of Cambridge
Classification: Pathogenic for Breast-ovarian cancer, familial, susceptibility to, 1. Last evaluated: 2015-10-02. Review status: criteria provided, single submitter. Criteria: CIMBA Mutation Classification guidelines May 2016. Collection method: clinical testing. Allele origin: germline. Not counted in ClinVar's aggregate classification.

Literature cited by the submitters: PubMed 20104584 (cited by Labcorp Genetics (formerly Invitae), Labcorp); PubMed 11920643 (cited by Labcorp Genetics (formerly Invitae), Labcorp and Quest Diagnostics Nichols Institute San Juan Capistrano); PubMed 31209999 (cited by Labcorp Genetics (formerly Invitae), Labcorp and Quest Diagnostics Nichols Institute San Juan Capistrano); PubMed 38069422 (cited by Quest Diagnostics Nichols Institute San Juan Capistrano); PubMed 38795236 (cited by Quest Diagnostics Nichols Institute San Juan Capistrano); PubMed 35411189 (cited by Quest Diagnostics Nichols Institute San Juan Capistrano).